The following is an entry in ClinVar:

ClinVar aggregate classification (germline): Uncertain significance (1 of 4 stars; one submission).

Submission:

GeneDx
Classification: Uncertain significance. Last evaluated: 2025-04-01. Review status: criteria provided, single submitter. Criteria: GeneDx Variant Classification Process June 2021. Collection method: clinical testing. Allele origin: germline. Affected: yes.
Comment: Not observed at significant frequency in large population cohorts (gnomAD); In silico analysis supports that this missense variant has a deleterious effect on protein structure/function; This variant is associated with the following publications: (PMID: Patel_Abstract_2019)

NM_021728.4(OTX2):c.205C>T (p.Arg69Trp)

Gene: OTX2 (orthodenticle homeobox 2; minus strand). Cytogenetic location: 14q22.3.
Variant type: single nucleotide variant.
Coding change: c.205C>T on transcript NM_021728.4 (MANE Select); coding-DNA position 205, C replaced by T.
Protein change: p.Arg69Trp; replaces arginine 69 with tryptophan.
Molecular consequence: missense variant.
Genome position (GRCh38, 1-based): chr14:56,804,256, G>A on the plus strand (C>T on the coding strand, the complement: OTX2 is on the minus strand). VCF-style: chr14-56804256-G-A. GRCh37 (hg19) VCF-style: chr14-57270974-G-A.
Other names: c.181C>T, p.Arg61Trp (NM_001270523.2, NM_001270524.2, NM_172337.3); c.205C>T, p.Arg69Trp (NM_001270525.2); short protein forms R61W, R69W.
Identifiers: ClinVar variation 1303780 (VCV001303780.3), dbSNP rs2139534006, ClinGen allele CA390052389.